The following is an entry in ClinVar:

NM_152672.6(SLC51A):c.561C>T (p.Tyr187=)

Gene: SLC51A (solute carrier family 51 member A; plus strand). Cytogenetic location: 3q29.
Variant type: single nucleotide variant.
Coding change: c.561C>T on transcript NM_152672.6 (MANE Select); coding-DNA position 561, C replaced by T.
Protein change: p.Tyr187=; no amino-acid change (tyrosine 187 retained).
Molecular consequence: synonymous variant.
Genome position (GRCh38, 1-based): chr3:196,228,848, C>T. VCF-style: chr3-196228848-C-T. GRCh37 (hg19) VCF-style: chr3-195955719-C-T.
Identifiers: ClinVar variation 4978525 (VCV004978525.1).

ClinVar aggregate classification (germline): Likely benign (1 of 4 stars; one submission).

Conditions:
SLC51A-related disorder. Also called: SLC51A-related condition.

gnomAD v4.1: 59 of 1,614,054 alleles (0.0037%); highest among the groups gnomAD compares: South Asian, 0.0044%; no homozygotes.

Submission:

PreventionGenetics, part of Exact Sciences
Classification: Likely benign for SLC51A-related condition. Last evaluated: 2026-03-31. Review status: criteria provided, single submitter. Criteria: ACMG Guidelines, 2015. Collection method: clinical testing. Allele origin: germline.
Comment: This variant is classified as likely benign based on ACMG/AMP sequence variant interpretation guidelines (Richards et al. 2015 PMID: 25741868, with internal and published modifications).